The following is an entry in ClinVar:

ClinVar aggregate classification (germline): Uncertain significance (1 of 4 stars; one submission).

Conditions:
Familial focal epilepsy with variable foci (FPEVF). Identifiers: Orphanet 98820, MedGen C1858477, MONDO:0020310.

Submission:

Labcorp Genetics (formerly Invitae), Labcorp
Classification: Uncertain significance for Familial focal epilepsy with variable foci. Last evaluated: 2024-01-08. Review status: criteria provided, single submitter. Criteria: Invitae Variant Classification Sherloc (09022015). Collection method: clinical testing. Allele origin: germline.
Comment: This sequence change replaces proline, which is neutral and non-polar, with arginine, which is basic and polar, at codon 507 of the DEPDC5 protein (p.Pro507Arg). This variant is not present in population databases (gnomAD no frequency). This variant has not been reported in the literature in individuals affected with DEPDC5-related conditions. Experimental studies and prediction algorithms are not available or were not evaluated, and the functional significance of this variant is currently unknown. In summary, the available evidence is currently insufficient to determine the role of this variant in disease. Therefore, it has been classified as a Variant of Uncertain Significance.

NM_001242896.3(DEPDC5):c.1520C>G (p.Pro507Arg)

Gene: DEPDC5 (DEP domain containing 5, GATOR1 subcomplex subunit; plus strand). Cytogenetic location: 22q12.3.
Variant type: single nucleotide variant.
Coding change: c.1520C>G on transcript NM_001242896.3 (MANE Select); coding-DNA position 1520, C replaced by G.
Protein change: p.Pro507Arg; replaces proline 507 with arginine.
Molecular consequence: missense variant. On other transcripts: non-coding transcript variant (5).
Genome position (GRCh38, 1-based): chr22:31,815,066, C>G. VCF-style: chr22-31815066-C-G. GRCh37 (hg19) VCF-style: chr22-32211052-C-G.
Other names: c.1520C>G, p.Pro507Arg (NM_001007188.4, NM_001136029.4, NM_001242897.2 and 7 more transcripts); c.1436C>G, p.Pro479Arg (NM_001369901.1, NM_001369902.1); short protein forms P507R, P479R.
Identifiers: ClinVar variation 2793594 (VCV002793594.3), dbSNP rs749451397, ClinGen allele CA411278200.